The following is an entry in ClinVar:

NM_001160148.2(DDHD1):c.812G>T (p.Gly271Val)

Genes: DDHD1 (DDHD domain containing 1; minus strand), LOC130055658 (ATAC-STARR-seq lymphoblastoid active region 8401; plus strand). Cytogenetic location: 14q22.1.
Variant type: single nucleotide variant.
Coding change: c.812G>T on transcript NM_001160148.2 (MANE Select); coding-DNA position 812, G replaced by T.
Protein change: p.Gly271Val; replaces glycine 271 with valine.
Molecular consequence: missense variant.
Genome position (GRCh38, 1-based): chr14:53,152,287, C>A on the plus strand (G>T on the coding strand, the complement: DDHD1 is on the minus strand). VCF-style: chr14-53152287-C-A. GRCh37 (hg19) VCF-style: chr14-53619005-C-A.
Other names: c.812G>T, p.Gly271Val (NM_001160147.2, NM_030637.3); short protein forms G271V.
Identifiers: ClinVar variation 650977 (VCV000650977.6), dbSNP rs747496321, ClinGen allele CA7191412.
Genomic context (GRCh38, chr14:53,152,287, plus strand): 5'-GCCCGTCCTGCCCTAACCCCGGCCCGCTACTCACGGTTCCAGTACACCGGGTAGCACTCT[C>A]CTTGGGTCACATCCACCTCGTAGAGGCCGCCCCGCACGCACACAGGCTCGATGTTCACAA-3'
Protein context (NP_001153620.1, residues 261-281): GGLYEVDVTQ[Gly271Val]ECYPVYWNQA

ClinVar aggregate classification (germline): Uncertain significance (1 of 4 stars; one submission).

Conditions:
Hereditary spastic paraplegia 28. Also called: Spastic paraplegia 28, autosomal recessive. Identifiers: Orphanet 101008, MedGen C1836295, MONDO:0012256, OMIM 609340.

Allele frequency attached by ClinVar (database versions not stated): ExAC 0.00005; gnomAD 0.00008; gnomAD exomes 0.00009; TOPMed 0.00009.
gnomAD v4.1: 85 of 1,612,370 alleles (0.0053%); highest among the groups gnomAD compares: Middle Eastern, 0.049%; no homozygotes.

Submission:

Labcorp Genetics (formerly Invitae), Labcorp
Classification: Uncertain significance for Hereditary spastic paraplegia 28. Last evaluated: 2021-09-01. Review status: criteria provided, single submitter. Criteria: Invitae Variant Classification Sherloc (09022015). Collection method: clinical testing. Allele origin: germline.
Comment: This sequence change replaces glycine with valine at codon 271 of the DDHD1 protein (p.Gly271Val). The glycine residue is moderately conserved and there is a moderate physicochemical difference between glycine and valine. This variant is present in population databases (rs747496321, ExAC 0.04%). This variant has not been reported in the literature in individuals affected with DDHD1-related conditions. Algorithms developed to predict the effect of missense changes on protein structure and function (SIFT, PolyPhen-2, Align-GVGD) all suggest that this variant is likely to be tolerated. In summary, the available evidence is currently insufficient to determine the role of this variant in disease. Therefore, it has been classified as a Variant of Uncertain Significance.